The following is an entry in ClinVar:

NM_032380.5(GFM2):c.305-6G>A

Gene: GFM2 (GTP dependent ribosome recycling factor mitochondrial 2; minus strand). Cytogenetic location: 5q13.3.
Variant type: single nucleotide variant.
Coding change: c.305-6G>A on transcript NM_032380.5 (MANE Select); 6 bases into the intron before coding-DNA position 305, G replaced by A.
Molecular consequence: intron variant.
Genome position (GRCh38, 1-based): chr5:74,751,499, C>T on the plus strand (G>A on the coding strand, the complement: GFM2 is on the minus strand). VCF-style: chr5-74751499-C-T. GRCh37 (hg19) VCF-style: chr5-74047324-C-T.
Other names: c.305-6G>A (NM_170691.3, NM_170681.3); c.401-6G>A (NM_001281302.2).
Identifiers: ClinVar variation 3637435 (VCV003637435.2).

ClinVar aggregate classification (germline): Uncertain significance (1 of 4 stars; one submission).

Submission:

Labcorp Genetics (formerly Invitae), Labcorp
Classification: Uncertain significance. Last evaluated: 2024-02-05. Review status: criteria provided, single submitter. Criteria: Invitae Variant Classification Sherloc (09022015). Collection method: clinical testing. Allele origin: germline.
Comment: This sequence change falls in intron 5 of the GFM2 gene. It does not directly change the encoded amino acid sequence of the GFM2 protein. This variant is not present in population databases (gnomAD no frequency). This variant has not been reported in the literature in individuals affected with GFM2-related conditions. Algorithms developed to predict the effect of sequence changes on RNA splicing suggest that this variant may disrupt the consensus splice site. In summary, the available evidence is currently insufficient to determine the role of this variant in disease. Therefore, it has been classified as a Variant of Uncertain Significance.